The following is an entry in ClinVar:

ClinVar aggregate classification (germline): Uncertain significance (1 of 4 stars; one submission).

Conditions:
Inborn genetic diseases. Identifiers: MedGen C0950123, MeSH D030342.

Submission:

Ambry Genetics
Classification: Uncertain significance for Inborn genetic diseases. Last evaluated: 2021-05-14. Review status: criteria provided, single submitter. Criteria: Ambry Variant Classification Scheme 2023. Collection method: clinical testing. Allele origin: germline.
Comment: The c.67T>C (p.C23R) alteration is located in exon 2 (coding exon 1) of the CSNK2B gene. This alteration results from a T to C substitution at nucleotide position 67, causing the cysteine (C) at amino acid position 23 to be replaced by an arginine (R). Based on data from the Genome Aggregation Database (gnomAD), the CSNK2B c.67T>C alteration was not observed, with coverage at this position. This amino acid position is highly conserved in available vertebrate species. The p.C23R alteration is predicted to be deleterious by in silico analysis. Based on insufficient or conflicting evidence, the clinical significance of this alteration remains unclear.

NM_001320.7(CSNK2B):c.67T>C (p.Cys23Arg)

Gene: CSNK2B (casein kinase 2 beta; plus strand). Cytogenetic location: 6p21.33.
Variant type: single nucleotide variant.
Coding change: c.67T>C on transcript NM_001320.7 (MANE Select); coding-DNA position 67, T replaced by C.
Protein change: p.Cys23Arg; replaces cysteine 23 with arginine.
Molecular consequence: missense variant.
Genome position (GRCh38, 1-based): chr6:31,666,898, T>C. VCF-style: chr6-31666898-T-C. GRCh37 (hg19) VCF-style: chr6-31634675-T-C.
Other names: c.67T>C, p.Cys23Arg (NM_001282385.2); short protein forms C23R.
Identifiers: ClinVar variation 2230892 (VCV002230892.2), dbSNP rs2536947987, ClinGen allele CA363469810.